The following is an entry in ClinVar:

ClinVar aggregate classification (germline): Uncertain significance (0 of 4 stars; one submission).

Conditions:
TFAP2A-related disorder. Also called: TFAP2A-related condition.

gnomAD v4.1: 4 of 1,613,926 alleles (0.00025%); highest among the groups gnomAD compares: Non-Finnish European, 0.00034%; no homozygotes.

Submission:

PreventionGenetics, part of Exact Sciences
Classification: Uncertain significance for TFAP2A-related condition. Last evaluated: 2024-05-10. Review status: no assertion criteria provided. Collection method: clinical testing. Allele origin: germline.
Comment: The TFAP2A c.13A>G variant is predicted to result in the amino acid substitution p.Ser5Gly. To our knowledge, this variant has not been reported in the literature. This variant is reported in 0.0029% of alleles in individuals of Latino descent in gnomAD. At this time, the clinical significance of this variant is uncertain due to the absence of conclusive functional and genetic evidence.

NM_001372066.1(TFAP2A):c.52-1249A>G

Gene: TFAP2A (transcription factor AP-2 alpha; minus strand). Cytogenetic location: 6p24.3.
Variant type: single nucleotide variant.
Coding change: c.52-1249A>G on transcript NM_001372066.1 (MANE Select); 1249 bases into the intron before coding-DNA position 52, A replaced by G.
Molecular consequence: intron variant. On other transcripts: missense variant (1).
Genome position (GRCh38, 1-based): chr6:10,411,584, T>C on the plus strand (A>G on the coding strand, the complement: TFAP2A is on the minus strand). VCF-style: chr6-10411584-T-C. GRCh37 (hg19) VCF-style: chr6-10411817-T-C.
Other names: c.13A>G, p.Ser5Gly (NM_001032280.3); c.34-1249A>G (NM_001042425.3); short protein forms S5G.
Identifiers: ClinVar variation 3350309 (VCV003350309.1).
Genomic context (GRCh38, chr6:10,411,584, plus strand): 5'-ATCCAATTCCTAAAGAAACAGCAACGGGGGTGGGGATGGGACTCACCATGGCTGAAAAAC[T>C]GTGAACTAACATCTGCGAAGAGTCTGGGGTAACGAGTCAGGGTGGAAAAAAACAAGCAAG-3'